The following is an entry in ClinVar:

ClinVar aggregate classification (germline): Conflicting classifications of pathogenicity. Review status: criteria provided, conflicting classifications (1 of 4 stars). 4 submissions from 4 submitters: Uncertain significance (3); Likely benign (1). Last evaluated 2025-07-23.

Conditions:
Hereditary cancer-predisposing syndrome. Also called: Neoplastic Syndromes, Hereditary; Hereditary Cancer Syndrome; Tumor predisposition; Hereditary neoplastic syndrome. Identifiers: Orphanet 140162, MedGen C0027672, MeSH D009386, MONDO:0015356.
Ataxia-telangiectasia syndrome (AT). Also called: Ataxia-telangiectasia, complementation group D; AT, COMPLEMENTATION GROUP C; Ataxia-telangiectasia, complementation group E; Cerebello-oculocutaneous telangiectasia; Immunodeficiency with ataxia telangiectasia; ATAXIA-TELANGIECTASIA, COMPLEMENTATION GROUP A. Identifiers: Orphanet 100, MedGen C0004135, MONDO:0008840, OMIM 208900.

Submissions (4):

Labcorp Genetics (formerly Invitae), Labcorp
Classification: Uncertain significance for Ataxia-telangiectasia syndrome. Last evaluated: 2025-07-23. Review status: criteria provided, single submitter. Criteria: Invitae Variant Classification Sherloc (09022015). Collection method: clinical testing. Allele origin: germline.
Comment: This sequence change replaces asparagine, which is neutral and polar, with serine, which is neutral and polar, at codon 859 of the ATM protein (p.Asn859Ser). This variant is not present in population databases (gnomAD no frequency). This variant has not been reported in the literature in individuals affected with ATM-related conditions. ClinVar contains an entry for this variant (Variation ID: 582998). Invitae Evidence Modeling of protein sequence and biophysical properties (such as structural, functional, and spatial information, amino acid conservation, physicochemical variation, residue mobility, and thermodynamic stability) indicates that this missense variant is not expected to disrupt ATM protein function with a negative predictive value of 95%. RNA analysis performed to evaluate the impact of this missense change on mRNA splicing indicates it does not significantly alter splicing (internal data). In summary, the available evidence is currently insufficient to determine the role of this variant in disease. Therefore, it has been classified as a Variant of Uncertain Significance.

Quest Diagnostics Nichols Institute San Juan Capistrano
Classification: Uncertain significance. Last evaluated: 2025-03-04. Review status: criteria provided, single submitter. Criteria: Quest Diagnostics criteria. Collection method: clinical testing. Allele origin: unknown.

Ambry Genetics
Classification: Likely benign for Hereditary cancer-predisposing syndrome. Last evaluated: 2024-06-13. Review status: criteria provided, single submitter. Criteria: Ambry Variant Classification Scheme 2023. Collection method: clinical testing. Allele origin: germline.

GeneDx
Classification: Uncertain significance. Last evaluated: 2024-05-06. Review status: criteria provided, single submitter. Criteria: GeneDx Variant Classification Process June 2021. Collection method: clinical testing. Allele origin: germline. Affected: yes.
Comment: Not observed in large population cohorts (gnomAD); In silico analysis indicates that this missense variant does not alter protein structure/function; Has not been previously published as pathogenic or benign to our knowledge

NM_000051.4(ATM):c.2576A>G (p.Asn859Ser)

Gene: ATM (ATM serine/threonine kinase; plus strand). Cytogenetic location: 11q22.3.
Variant type: single nucleotide variant.
Coding change: c.2576A>G on transcript NM_000051.4 (MANE Select); coding-DNA position 2576, A replaced by G.
Protein change: p.Asn859Ser; replaces asparagine 859 with serine.
Molecular consequence: missense variant.
Genome position (GRCh38, 1-based): chr11:108,267,280, A>G. VCF-style: chr11-108267280-A-G. GRCh37 (hg19) VCF-style: chr11-108138007-A-G.
Other names: c.2576A>G, p.Asn859Ser (NM_001351834.2); short protein forms N859S.
Identifiers: ClinVar variation 582998 (VCV000582998.14), dbSNP rs1565416655, ClinGen allele CA382543900.